The following is an entry in ClinVar:

ClinVar aggregate classification (germline): Benign/Likely benign. Review status: criteria provided, multiple submitters, no conflicts (2 of 4 stars). 6 submissions from 6 submitters: Benign (1); Likely benign (5). Last evaluated 2025-10-01.

Conditions:
Classic or attenuated familial adenomatous polyposis. Identifiers: MedGen CN372698, MONDO:0021057.
Hereditary cancer-predisposing syndrome. Also called: Neoplastic Syndromes, Hereditary; Hereditary Cancer Syndrome; Tumor predisposition; Hereditary neoplastic syndrome. Identifiers: Orphanet 140162, MedGen C0027672, MeSH D009386, MONDO:0015356.
Familial adenomatous polyposis 1 (FAP1). Also called: POLYPOSIS, ADENOMATOUS INTESTINAL; FAMILIAL ADENOMATOUS POLYPOSIS 1, ATTENUATED. Identifiers: MedGen C2713442, MONDO:0021056, OMIM 175100. Disease mechanism: loss of function.

Allele frequency attached by ClinVar (database versions not stated): gnomAD exomes below 0.00001 and 0.00001.
gnomAD v4.1: 4 of 1,614,016 alleles (0.00025%); highest among the groups gnomAD compares: Admixed American, 0.0033%; no homozygotes.

Submissions (6):

CeGaT Center for Human Genetics Tuebingen
Classification: Likely benign. Last evaluated: 2025-10-01. Review status: criteria provided, single submitter. Criteria: CeGaT Center For Human Genetics Tuebingen Variant Classification Criteria Version 2. Collection method: clinical testing. Allele origin: germline. Affected: yes. Observed: 1 variant allele.
Comment: APC: BP4, BP7

Labcorp Genetics (formerly Invitae), Labcorp
Classification: Likely benign for Familial adenomatous polyposis 1. Last evaluated: 2025-03-23. Review status: criteria provided, single submitter. Criteria: Invitae Variant Classification Sherloc (09022015). Collection method: clinical testing. Allele origin: germline.

Myriad Genetics, Inc.
Classification: Benign for Familial adenomatous polyposis 1. Last evaluated: 2024-04-04. Review status: criteria provided, single submitter. Criteria: Myriad Autosomal Dominant, Autosomal Recessive and X-Linked Classification Criteria (2023). Collection method: clinical testing. Allele origin: unknown.
Comment: This variant is considered benign. This variant is a silent/synonymous amino acid change and it is not expected to impact splicing.

All of Us Research Program, National Institutes of Health
Classification: Likely benign for Classic or attenuated familial adenomatous polyposis. Last evaluated: 2023-10-27. Review status: criteria provided, single submitter. Criteria: ACMG Guidelines, 2015. Collection method: clinical testing. Allele origin: germline. Inheritance: Autosomal dominant inheritance. Observed: 2 variant alleles, 2 heterozygotes.
Comment: This study involves interpretation of variants in research participants for the purpose of population health screening. Participant phenotype was not available at the time of variant classification. Additional details can be found in publication PMID: 35346344, PMCID: PMC8962531

Ambry Genetics
Classification: Likely benign for Hereditary cancer-predisposing syndrome. Last evaluated: 2022-05-28. Review status: criteria provided, single submitter. Criteria: Ambry Variant Classification Scheme 2023. Collection method: clinical testing. Allele origin: germline.

Color Diagnostics, LLC DBA Color Health
Classification: Likely benign for Hereditary cancer-predisposing syndrome. Last evaluated: 2016-09-09. Review status: criteria provided, single submitter. Criteria: ACMG Guidelines, 2015. Collection method: clinical testing. Allele origin: germline.

NM_000038.6(APC):c.6201T>C (p.Asn2067=)

Gene: APC (APC regulator of Wnt signaling pathway; plus strand). Cytogenetic location: 5q22.2.
Variant type: single nucleotide variant.
Coding change: c.6201T>C on transcript NM_000038.6 (MANE Select); coding-DNA position 6201, T replaced by C.
Protein change: p.Asn2067=; no amino-acid change (asparagine 2067 retained).
Molecular consequence: synonymous variant.
Genome position (GRCh38, 1-based): chr5:112,841,795, T>C. VCF-style: chr5-112841795-T-C. GRCh37 (hg19) VCF-style: chr5-112177492-T-C.
Other names: c.6201T>C, p.Asn2067= (NM_001127510.3, NM_001354895.2); c.6147T>C, p.Asn2049= (NM_001127511.3); c.6255T>C, p.Asn2085= (NM_001354896.2); c.6231T>C, p.Asn2077= (NM_001354897.2); c.6126T>C, p.Asn2042= (NM_001354898.2); c.6117T>C, p.Asn2039= (NM_001354899.2); c.6078T>C, p.Asn2026= (NM_001354900.2); c.6024T>C, p.Asn2008= (NM_001354901.2); and 5 more.
Identifiers: ClinVar variation 231699 (VCV000231699.25), dbSNP rs876659306, ClinGen allele CA10578422.